The following is an entry in ClinVar:

ClinVar aggregate classification (germline): Uncertain significance. Review status: criteria provided, multiple submitters, no conflicts (2 of 4 stars). 2 submissions from 2 submitters: Uncertain significance (2). Last evaluated 2025-10-29.

Allele frequency attached by ClinVar (database versions not stated): gnomAD exomes below 0.00001.

Submissions (2):

Labcorp Genetics (formerly Invitae), Labcorp
Classification: Uncertain significance. Last evaluated: 2025-10-29. Review status: criteria provided, single submitter. Criteria: Invitae Variant Classification Sherloc (09022015). Collection method: clinical testing. Allele origin: germline.
Comment: This sequence change creates a premature translational stop signal (p.Val53Alafs*16) in the NLRP1 gene. It is expected to result in an absent or disrupted protein product. However, the current clinical and genetic evidence is not sufficient to establish whether loss-of-function variants in NLRP1 cause disease. This variant is not present in population databases (gnomAD no frequency). This variant has not been reported in the literature in individuals affected with NLRP1-related conditions. ClinVar contains an entry for this variant (Variation ID: 523981). In summary, the available evidence is currently insufficient to determine the role of this variant in disease. Therefore, it has been classified as a Variant of Uncertain Significance.

GeneDx
Classification: Uncertain significance. Last evaluated: 2018-03-19. Review status: criteria provided, single submitter. Criteria: GeneDx Variant Classification (06012015). Collection method: clinical testing. Allele origin: germline. Affected: yes.
Comment: The c.158_161delTGGC variant in the NLRP1 gene has not been reported previously as a pathogenic variant nor as a benign variant, to our knowledge. The c.158_161delTGGC variant causes a frameshift starting with codon Valine 53, changes this amino acid to an Alanine residue, and creates a premature Stop codon at position 16 of the new reading frame, denoted p.Val53AlafsX16. This variant is predicted to cause loss of normal protein function either through protein truncation or nonsense-mediated mRNA decay. The c.158_161delTGGC variant is not observed in large population cohorts (Lek et al., 2016). We interpret c.158_161delTGGC as a variant of uncertain significance.

NM_033004.4(NLRP1):c.158_161del (p.Val53fs)

Gene: NLRP1 (NLR family pyrin domain containing 1; minus strand). Cytogenetic location: 17p13.2.
Variant type: Deletion.
Coding change: c.158_161del on transcript NM_033004.4 (MANE Select); coding-DNA positions 158 to 161, 4 bases deleted (TGGC; older notation c.158_161delTGGC).
Protein change: p.Val53fs; shifts the reading frame from valine 53.
Molecular consequence: frameshift variant.
Genome position (GRCh38, 1-based): chr17:5,583,797-5,583,800, GCCA deleted on the plus strand (TGGC on the coding strand, the reverse complement: NLRP1 is on the minus strand). VCF-style (leftmost placement, unchanged base first): chr17-5583796-GGCCA-G. GRCh37 (hg19) VCF-style: chr17-5487116-GGCCA-G.
Other names: c.158_161del, p.Val53fs (NM_001033053.3, NM_014922.5, NM_033006.4 and 1 more transcripts); short protein forms V53fs.
Identifiers: ClinVar variation 523981 (VCV000523981.3), dbSNP rs1555550348, ClinGen allele CA658798688.